The following is an entry in ClinVar:

ClinVar aggregate classification (germline): Uncertain significance (1 of 4 stars; one submission).

Conditions:
Bloom syndrome (BLM). Also called: Bloom-Torre-Machacek syndrome. Identifiers: Orphanet 125, MedGen C0005859, MONDO:0008876, OMIM 210900.

Submission:

Labcorp Genetics (formerly Invitae), Labcorp
Classification: Uncertain significance for Bloom syndrome. Last evaluated: 2025-01-12. Review status: criteria provided, single submitter. Criteria: Invitae Variant Classification Sherloc (09022015). Collection method: clinical testing. Allele origin: germline.
Comment: This sequence change replaces serine, which is neutral and polar, with isoleucine, which is neutral and non-polar, at codon 1123 of the BLM protein (p.Ser1123Ile). This variant is not present in population databases (gnomAD no frequency). This variant has not been reported in the literature in individuals affected with BLM-related conditions. Invitae Evidence Modeling of protein sequence and biophysical properties (such as structural, functional, and spatial information, amino acid conservation, physicochemical variation, residue mobility, and thermodynamic stability) indicates that this missense variant is not expected to disrupt BLM protein function with a negative predictive value of 80%. In summary, the available evidence is currently insufficient to determine the role of this variant in disease. Therefore, it has been classified as a Variant of Uncertain Significance.

NM_000057.4(BLM):c.3368G>T (p.Ser1123Ile)

Gene: BLM (BLM RecQ like helicase; plus strand). Cytogenetic location: 15q26.1.
Variant type: single nucleotide variant.
Coding change: c.3368G>T on transcript NM_000057.4 (MANE Select); coding-DNA position 3368, G replaced by T.
Protein change: p.Ser1123Ile; replaces serine 1123 with isoleucine.
Molecular consequence: missense variant. On other transcripts: intron variant (1).
Genome position (GRCh38, 1-based): chr15:90,803,530, G>T. VCF-style: chr15-90803530-G-T. GRCh37 (hg19) VCF-style: chr15-91346760-G-T.
Other names: c.3368G>T, p.Ser1123Ile (NM_001287246.2); c.2243G>T, p.Ser748Ile (NM_001287248.2); c.3358+5193G>T (NM_001287247.2); short protein forms S1123I, S748I.
Identifiers: ClinVar variation 3669310 (VCV003669310.2).